The following is an entry in ClinVar:

NM_007327.4(GRIN1):c.430T>G (p.Tyr144Asp)

Gene: GRIN1 (glutamate ionotropic receptor NMDA type subunit 1; plus strand). Cytogenetic location: 9q34.3.
Variant type: single nucleotide variant.
Coding change: c.430T>G on transcript NM_007327.4 (MANE Select); coding-DNA position 430, T replaced by G.
Protein change: p.Tyr144Asp; replaces tyrosine 144 with aspartic acid.
Molecular consequence: missense variant.
Genome position (GRCh38, 1-based): chr9:137,145,762, T>G. VCF-style: chr9-137145762-T-G. GRCh37 (hg19) VCF-style: chr9-140040214-T-G.
Other names: c.430T>G, p.Tyr144Asp (NM_000832.7, NM_001185090.2, NM_001185091.2 and 1 more transcripts); c.430T>G (NM_007327.3); short protein forms Y144D.
Identifiers: ClinVar variation 1513773 (VCV001513773.9), dbSNP rs2131217127, ClinGen allele CA375713887.

ClinVar aggregate classification (germline): Uncertain significance. Review status: criteria provided, multiple submitters, no conflicts (2 of 4 stars). 2 submissions from 2 submitters: Uncertain significance (2). Last evaluated 2023-08-18.

Conditions:
Neurodevelopmental disorder with or without hyperkinetic movements and seizures, autosomal dominant. Also called: Intellectual disability, autosomal dominant 8. Identifiers: MedGen C3280282, MONDO:0013655, OMIM 614254.

Submissions (2):

GeneDx
Classification: Uncertain significance. Last evaluated: 2023-08-18. Review status: criteria provided, single submitter. Criteria: GeneDx Variant Classification Process June 2021. Collection method: clinical testing. Allele origin: germline. Affected: yes.
Comment: Not observed at significant frequency in large population cohorts (gnomAD); In silico analysis supports that this missense variant has a deleterious effect on protein structure/function; Has not been previously published as pathogenic or benign to our knowledge

Labcorp Genetics (formerly Invitae), Labcorp
Classification: Uncertain significance for Neurodevelopmental disorder with or without hyperkinetic movements and seizures, autosomal dominant. Last evaluated: 2022-08-22. Review status: criteria provided, single submitter. Criteria: Invitae Variant Classification Sherloc (09022015). Collection method: clinical testing. Allele origin: germline.
Comment: This sequence change replaces tyrosine, which is neutral and polar, with aspartic acid, which is acidic and polar, at codon 144 of the GRIN1 protein (p.Tyr144Asp). In summary, the available evidence is currently insufficient to determine the role of this variant in disease. Therefore, it has been classified as a Variant of Uncertain Significance. Advanced modeling of protein sequence and biophysical properties (such as structural, functional, and spatial information, amino acid conservation, physicochemical variation, residue mobility, and thermodynamic stability) performed at Invitae indicates that this missense variant is expected to disrupt GRIN1 protein function. ClinVar contains an entry for this variant (Variation ID: 1513773). This variant has not been reported in the literature in individuals affected with GRIN1-related conditions. This variant is not present in population databases (gnomAD no frequency).